The following is an entry in ClinVar:

ClinVar aggregate classification (germline): Benign/Likely benign. Review status: criteria provided, multiple submitters, no conflicts (2 of 4 stars). 4 submissions from 4 submitters: Benign (1); Likely benign (3). Last evaluated 2026-01-16.

Conditions:
Cardiovascular phenotype. Identifiers: MedGen CN230736.
Duchenne muscular dystrophy (DMD). Also called: Duchenne Muscular Dystrophy (DMD); MUSCULAR DYSTROPHY, PSEUDOHYPERTROPHIC PROGRESSIVE, DUCHENNE TYPE. Identifiers: Orphanet 98896, MedGen C0013264, MONDO:0010679, OMIM 310200.

Allele frequency attached by ClinVar (database versions not stated): gnomAD exomes 0.00002 and 0.00009; gnomAD 0.00003 and 0.00004; TOPMed 0.00007; ExAC 0.00009.
gnomAD v4.1: 25 of 1,204,338 alleles (0.0021%); highest among the groups gnomAD compares: East Asian, 0.071%; no homozygotes.

Submissions (4):

Labcorp Genetics (formerly Invitae), Labcorp
Classification: Benign for Duchenne muscular dystrophy. Last evaluated: 2026-01-16. Review status: criteria provided, single submitter. Criteria: Invitae Variant Classification Sherloc (09022015). Collection method: clinical testing. Allele origin: germline.

Ambry Genetics
Classification: Likely benign for Cardiovascular phenotype. Last evaluated: 2022-08-11. Review status: criteria provided, single submitter. Criteria: Ambry Variant Classification Scheme 2023. Collection method: clinical testing. Allele origin: germline.

GeneDx
Classification: Likely benign. Last evaluated: 2017-11-03. Review status: criteria provided, single submitter. Criteria: GeneDx Variant Classification (06012015). Collection method: clinical testing. Allele origin: germline. Affected: yes.
Comment: This variant is considered likely benign or benign based on one or more of the following criteria: it is a conservative change, it occurs at a poorly conserved position in the protein, it is predicted to be benign by multiple in silico algorithms, and/or has population frequency not consistent with disease.

ARUP Laboratories, Molecular Genetics and Genomics, ARUP Laboratories
Classification: Likely benign. Last evaluated: 2017-09-17. Review status: criteria provided, single submitter. Criteria: ARUP Molecular Germline Variant Investigation Process. Collection method: clinical testing. Allele origin: germline.
Comment: The p.Arg1562Gly variant (rs771425504; ClinVar Variation ID: 263352) has not been previously associated with any dystrophinopathy and is listed in the Genome Aggregation Database (gnomAD) browser with a frequency in East Asian populations of 0.13% (identified in 18 out of 13,810 chromosomes including 3 homozygotes). Additionally, this variant affects a moderately conserved amino acid (Alamut software v 2.10), and is not predicted to alter DMD structure function (SIFT: tolerated, PolyPhen2: benign, MutationTaster: polymorphism). Therefore, the p.Arg1562Gly variant is likely to be benign.

NM_004006.3(DMD):c.4684A>G (p.Arg1562Gly)

Gene: DMD (dystrophin; minus strand). Cytogenetic location: Xp21.1.
Variant type: single nucleotide variant.
Coding change: c.4684A>G on transcript NM_004006.3 (MANE Select); coding-DNA position 4684, A replaced by G.
Protein change: p.Arg1562Gly; replaces arginine 1562 with glycine.
Molecular consequence: missense variant.
Genome position (GRCh38, 1-based): chrX:32,380,671, T>C on the plus strand (A>G on the coding strand, the complement: DMD is on the minus strand). VCF-style: chrX-32380671-T-C. GRCh37 (hg19) VCF-style: chrX-32398788-T-C.
Other names: c.4660A>G, p.Arg1554Gly (NM_000109.4); c.4672A>G, p.Arg1558Gly (NM_004009.3); c.4315A>G, p.Arg1439Gly (NM_004010.3); c.661A>G, p.Arg221Gly (NM_004011.4); c.652A>G, p.Arg218Gly (NM_004012.4); short protein forms R1562G, R1439G, R1558G, R1554G, R218G, R221G.
Identifiers: ClinVar variation 263352 (VCV000263352.22), dbSNP rs771425504, ClinGen allele CA10378885.